The following is an entry in ClinVar:

ClinVar aggregate classification (germline): Likely benign. Review status: criteria provided, multiple submitters, no conflicts (2 of 4 stars). 5 submissions from 4 submitters: Likely benign (5). Last evaluated 2025-01-02.

Conditions:
Spinocerebellar ataxia, autosomal recessive, with axonal neuropathy 2 (SCAN2). Also called: ATAXIA-OCULOMOTOR APRAXIA 2; Ataxia with Oculomotor Apraxia; Ataxia-ocular apraxia-2; Ataxia with Oculomotor Apraxia Type 2. Identifiers: Orphanet 64753, MedGen C1853761, MONDO:0018996, OMIM 606002.
Inborn genetic diseases. Identifiers: MedGen C0950123, MeSH D030342.
Amyotrophic lateral sclerosis type 4 (ALS4). Also called: AMYOTROPHIC LATERAL SCLEROSIS 4, JUVENILE; NEURONOPATHY, DISTAL HEREDITARY MOTOR, WITH PYRAMIDAL FEATURES. Identifiers: Orphanet 357043, MedGen C1865409, MONDO:0011223, OMIM 602433.

Allele frequency attached by ClinVar (database versions not stated): gnomAD 0.00001; TOPMed 0.00001; gnomAD exomes 0.00002 and 0.00003; ExAC 0.00003.
gnomAD v4.1: 30 of 1,614,084 alleles (0.0019%); highest among the groups gnomAD compares: Non-Finnish European, 0.0018%; no homozygotes.

Submissions (5):

Mayo Clinic Laboratories, Mayo Clinic
Classification: Likely benign. Last evaluated: 2025-01-02. Review status: criteria provided, single submitter. Criteria: ACMG Guidelines, 2015. Collection method: clinical testing. Allele origin: germline. Observed: 1 variant allele.
Comment: BP4, BP7

Genome-Nilou Lab
Classification: Likely benign for Spinocerebellar ataxia, autosomal recessive, with axonal neuropathy 2. Last evaluated: 2023-02-08. Review status: criteria provided, single submitter. Criteria: ACMG Guidelines, 2015. Collection method: clinical testing. Allele origin: germline.

Genome-Nilou Lab
Classification: Likely benign for Amyotrophic lateral sclerosis type 4. Last evaluated: 2023-02-08. Review status: criteria provided, single submitter. Criteria: ACMG Guidelines, 2015. Collection method: clinical testing. Allele origin: germline.

Labcorp Genetics (formerly Invitae), Labcorp
Classification: Likely benign for Amyotrophic lateral sclerosis type 4; Spinocerebellar ataxia, autosomal recessive, with axonal neuropathy 2. Last evaluated: 2022-11-04. Review status: criteria provided, single submitter. Criteria: Invitae Variant Classification Sherloc (09022015). Collection method: clinical testing. Allele origin: germline.

Ambry Genetics
Classification: Likely benign for Inborn genetic diseases. Last evaluated: 2019-07-11. Review status: criteria provided, single submitter. Criteria: Ambry Variant Classification Scheme 2023. Collection method: clinical testing. Allele origin: germline.

NM_015046.7(SETX):c.4707T>C (p.Ser1569=)

Gene: SETX (senataxin; minus strand). Cytogenetic location: 9q34.13.
Variant type: single nucleotide variant.
Coding change: c.4707T>C on transcript NM_015046.7 (MANE Select); coding-DNA position 4707, T replaced by C.
Protein change: p.Ser1569=; no amino-acid change (serine 1569 retained).
Molecular consequence: synonymous variant.
Genome position (GRCh38, 1-based): chr9:132,326,891, A>G on the plus strand (T>C on the coding strand, the complement: SETX is on the minus strand). VCF-style: chr9-132326891-A-G. GRCh37 (hg19) VCF-style: chr9-135202278-A-G.
Other names: p.Ser1569=; c.4707T>C, p.Ser1569= (NM_001351527.2, NM_001351528.2).
Identifiers: ClinVar variation 468512 (VCV000468512.11), dbSNP rs769964668, ClinGen allele CA5297146.